The following is an entry in ClinVar:

GRCh38/hg38 15q11.2-13.1(chr15:23319714-30073921)x3

Genes: SNORD116-14 (small nucleolar RNA, C/D box 116-14; plus strand), SNORD116-15 (small nucleolar RNA, C/D box 116-15; plus strand), SNORD116-16 (small nucleolar RNA, C/D box 116-16; plus strand), SNORD116-17 (small nucleolar RNA, C/D box 116-17; plus strand), SNORD116-18 (small nucleolar RNA, C/D box 116-18; plus strand) and 163 more. Cytogenetic location: 15q11.2-13.1.
Variant type: copy number gain.
Change: copy number 3 (three copies instead of two) of chr15:23,319,714-30,073,921 (6.75 Mb, GRCh38 coordinates, 1-based), cytogenetic band 15q11.2-13.1.
Identifiers: ClinVar variation 59391 (VCV000059391.2).

ClinVar aggregate classification (germline): Pathogenic (1 of 4 stars; one submission).

Submission:

ISCA Site 6
Classification: Pathogenic. Last evaluated: 2011-08-12. Review status: criteria provided, single submitter. Criteria: Kaminsky et al. (Genet Med. 2011). Collection method: clinical testing. Allele origin: unknown. Affected: yes. Observed: 1 variant allele.
Comment: Copy number variation identified through the course of routine clinical cytogenomic testing in postnatal populations. Clinical assertions have been curated as described in Kaminsky et al. 2011.